The following is an entry in ClinVar:

ClinVar aggregate classification (germline): Pathogenic (1 of 4 stars; one submission).

Conditions:
Ehlers-Danlos syndrome, dermatosparaxis type. Also called: Dermatosparaxis; EDS VIIC; Ehlers-Danlos syndrome, type VII, autosomal recessive. Identifiers: Orphanet 1901, MedGen C2700425, MONDO:0009161, OMIM 225410.

Submission:

Labcorp Genetics (formerly Invitae), Labcorp
Classification: Pathogenic for Ehlers-Danlos syndrome, dermatosparaxis type. Last evaluated: 2022-09-26. Review status: criteria provided, single submitter. Criteria: Invitae Variant Classification Sherloc (09022015). Collection method: clinical testing. Allele origin: germline.
Comment: This variant is a gross deletion of the genomic region encompassing exon(s) 3 of the ADAMTS2 gene. This deletion is out-of-frame, and is expected to create a premature termination codon and result in an absent or disrupted protein product. Loss-of-function variants in ADAMTS2 are known to be pathogenic (PMID: 10417273). A similar copy number variant has been observed in individual(s) with Ehlers‚ÄìDanlos type VIIC (PMID: 15373769). Algorithms developed to predict the effect of variants on protein structure and function are not available or were not evaluated for this variant. Experimental studies have shown that a similar copy number variant affects ADAMTS2 function (PMID: 15373769). For these reasons, this variant has been classified as Pathogenic.

Literature cited by the submitters: PubMed 10417273; PubMed 15373769.

NC_000005.10:g.(?_179272901)_(179273074_?)del

Gene: ADAMTS2 (ADAM metallopeptidase with thrombospondin type 1 motif 2; minus strand). Cytogenetic location: 5q35.3.
Variant type: Deletion.
Identifiers: ClinVar variation 831963 (VCV000831963.9).